The following is an entry in ClinVar:

ClinVar aggregate classification (germline): Uncertain significance. Review status: criteria provided, multiple submitters, no conflicts (2 of 4 stars). 2 submissions from 2 submitters: Uncertain significance (2). Last evaluated 2026-09-16.

Conditions:
CA5A-related disorder. Also called: CA5A-related condition.
Inborn genetic diseases. Identifiers: MedGen C0950123, MeSH D030342.

Allele frequency attached by ClinVar (database versions not stated): ExAC 0.00003; gnomAD 0.00003; TOPMed 0.00004.
gnomAD v4.1: 155 of 1,612,522 alleles (0.0096%); highest among the groups gnomAD compares: Non-Finnish European, 0.013%; no homozygotes.

Submissions (2):

PreventionGenetics, part of Exact Sciences
Classification: Uncertain significance for CA5A-related condition. Last evaluated: 2026-09-16. Review status: criteria provided, single submitter. Criteria: ACMG Guidelines, 2015. Collection method: clinical testing. Allele origin: germline.
Comment: The CA5A c.616A>G variant is predicted to result in the amino acid substitution p.Lys206Glu. To our knowledge, this variant has not been reported in the literature. This variant is reported in 0.0044% of alleles in individuals of European (Non-Finnish) descent in gnomAD. At this time, the clinical significance of this variant is uncertain due to the absence of conclusive functional and genetic evidence.

Ambry Genetics
Classification: Uncertain significance for Inborn genetic diseases. Last evaluated: 2021-09-15. Review status: criteria provided, single submitter. Criteria: Ambry Variant Classification Scheme 2023. Collection method: clinical testing. Allele origin: germline.

NM_001739.2(CA5A):c.616A>G (p.Lys206Glu)

Gene: CA5A (carbonic anhydrase 5A; minus strand). Cytogenetic location: 16q24.2.
Variant type: single nucleotide variant.
Coding change: c.616A>G on transcript NM_001739.2 (MANE Select); coding-DNA position 616, A replaced by G.
Protein change: p.Lys206Glu; replaces lysine 206 with glutamic acid.
Molecular consequence: missense variant. On other transcripts: non-coding transcript variant (2).
Genome position (GRCh38, 1-based): chr16:87,901,914, T>C on the plus strand (A>G on the coding strand, the complement: CA5A is on the minus strand). VCF-style: chr16-87901914-T-C. GRCh37 (hg19) VCF-style: chr16-87935520-T-C.
Other names: c.616A>G, p.Lys206Glu (NM_001367225.1); short protein forms K206E.
Identifiers: ClinVar variation 2364546 (VCV002364546.3), dbSNP rs753913199, ClinGen allele CA8223371.
Genomic context (GRCh38, chr16:87,901,914, plus strand): 5'-TGGGATTACAGGCGTGAGCCTCCGCGCCCGGCCTGCTGATTTCAAATATGCAGCTTACCT[T>C]ATGTTTTATTTCCGGCAAGATGTCCACCAGCCTCTGCAGCGTCTGATGATGGGCCCCGAG-3'
Protein context (NP_001730.1, residues 196-216): LVDILPEIKH[Lys206Glu]DARAAMRPFD